The following is an entry in ClinVar:

ClinVar aggregate classification (germline): Uncertain significance. Review status: criteria provided, multiple submitters, no conflicts (2 of 4 stars). 2 submissions from 2 submitters: Uncertain significance (2). Last evaluated 2025-12-25.

Conditions:
Hereditary sensory and autonomic neuropathy with spastic paraplegia (HSNSP). Identifiers: Orphanet 139578, MedGen C1850395, MONDO:0009748, OMIM 256840.

Allele frequency attached by ClinVar (database versions not stated): ExAC 0.00001; gnomAD 0.00001.

Submissions (2):

Labcorp Genetics (formerly Invitae), Labcorp
Classification: Uncertain significance for Hereditary sensory and autonomic neuropathy with spastic paraplegia. Last evaluated: 2025-12-25. Review status: criteria provided, single submitter. Criteria: Invitae Variant Classification Sherloc (09022015). Collection method: clinical testing. Allele origin: germline.
Comment: This sequence change affects the initiator codon of the CCT5 mRNA. This change may impact translation initiation or efficiency. The next in-frame methionine is located at codon 4. This variant is present in population databases (rs765917279, gnomAD 0.02%). This variant has not been reported in the literature in individuals affected with CCT5-related conditions. ClinVar contains an entry for this variant (Variation ID: 2899987). Experimental studies and prediction algorithms are not available or were not evaluated, and the functional significance of this variant is currently unknown. In summary, the available evidence is currently insufficient to determine the role of this variant in disease. Therefore, it has been classified as a Variant of Uncertain Significance.

Revvity Omics, Revvity
Classification: Uncertain significance for Hereditary sensory and autonomic neuropathy with spastic paraplegia. Last evaluated: 2024-02-29. Review status: criteria provided, single submitter. Criteria: ACMG Guidelines, 2015. Collection method: clinical testing. Allele origin: germline.

NM_012073.5(CCT5):c.1A>G (p.Met1Val)

Gene: CCT5 (chaperonin containing TCP1 subunit 5; plus strand). Cytogenetic location: 5p15.2.
Variant type: single nucleotide variant.
Coding change: c.1A>G on transcript NM_012073.5 (MANE Select); coding-DNA position 1, A replaced by G.
Protein change: p.Met1Val; changes the start codon (methionine 1).
Molecular consequence: missense variant, initiator codon variant. On other transcripts: intron variant (1).
Genome position (GRCh38, 1-based): chr5:10,250,341, A>G. VCF-style: chr5-10250341-A-G. GRCh37 (hg19) VCF-style: chr5-10250453-A-G.
Other names: c.1A>G, p.Met1Val (NM_001306154.2); c.42+296A>G (NM_001306153.1); short protein forms M1V.
Identifiers: ClinVar variation 2899987 (VCV002899987.4), dbSNP rs765917279, ClinGen allele CA3197931.